The following is an entry in ClinVar:

NM_000492.4(CFTR):c.*9A>T

Genes: CFTR (CF transmembrane conductance regulator; plus strand), LOC111674477 (CFTR intron 23 enhancer; plus strand). Cytogenetic location: 7q31.2.
Variant type: single nucleotide variant.
Coding change: c.*9A>T on transcript NM_000492.4 (MANE Select); 9 bases downstream of the stop codon, A replaced by T.
Molecular consequence: 3 prime UTR variant.
Genome position (GRCh38, 1-based): chr7:117,667,117, A>T. VCF-style: chr7-117667117-A-T. GRCh37 (hg19) VCF-style: chr7-117307171-A-T.
Identifiers: ClinVar variation 4680882 (VCV004680882.1).

ClinVar aggregate classification (germline): Uncertain significance (1 of 4 stars; one submission).

gnomAD v4.1: 11 of 1,612,444 alleles (0.00068%); highest among the groups gnomAD compares: Non-Finnish European, 0.00093%; no homozygotes.

Submission:

GeneDx
Classification: Uncertain significance. Last evaluated: 2025-07-01. Review status: criteria provided, single submitter. Criteria: GeneDx Variant Classification Process June 2021. Collection method: clinical testing. Allele origin: germline. Affected: yes.
Comment: Nucleotide is not conserved across species; Located in a regulatory region; in the absence of functional studies, the actual effect of this sequence change is unknown; Has not been previously published as pathogenic or benign to our knowledge